The following is an entry in ClinVar:

NM_001286581.2(PHRF1):c.4098G>A (p.Ala1366=)

Gene: PHRF1 (PHD and ring finger domains 1; plus strand). Cytogenetic location: 11p15.5.
Variant type: single nucleotide variant.
Coding change: c.4098G>A on transcript NM_001286581.2 (MANE Select); coding-DNA position 4098, G replaced by A.
Protein change: p.Ala1366=; no amino-acid change (alanine 1366 retained).
Molecular consequence: synonymous variant.
Genome position (GRCh38, 1-based): chr11:609,554, G>A. VCF-style: chr11-609554-G-A. GRCh37 (hg19) VCF-style: chr11-609554-G-A.
Other names: c.4092G>A, p.Ala1364= (NM_001286582.2); c.4086G>A, p.Ala1362= (NM_001286583.2); c.4095G>A, p.Ala1365= (NM_020901.4).
Identifiers: ClinVar variation 4980293 (VCV004980293.1).

ClinVar aggregate classification (germline): Likely benign (1 of 4 stars; one submission).

Conditions:
PHRF1-related disorder. Also called: PHRF1-related condition.

gnomAD v4.1: 138 of 1,599,038 alleles (0.0086%); highest among the groups gnomAD compares: Non-Finnish European, 0.011%; no homozygotes.

Submission:

PreventionGenetics, part of Exact Sciences
Classification: Likely benign for PHRF1-related condition. Last evaluated: 2026-06-08. Review status: criteria provided, single submitter. Criteria: ACMG Guidelines, 2015. Collection method: clinical testing. Allele origin: germline.
Comment: This variant is classified as likely benign based on ACMG/AMP sequence variant interpretation guidelines (Richards et al. 2015 PMID: 25741868, with internal and published modifications).